The following is an entry in ClinVar:

ClinVar aggregate classification (germline): Uncertain significance. Review status: criteria provided, multiple submitters, no conflicts (2 of 4 stars). 2 submissions from 2 submitters: Uncertain significance (2). Last evaluated 2025-11-09.

Submissions (2):

Labcorp Genetics (formerly Invitae), Labcorp
Classification: Uncertain significance. Last evaluated: 2025-11-09. Review status: criteria provided, single submitter. Criteria: Invitae Variant Classification Sherloc (09022015). Collection method: clinical testing. Allele origin: germline.
Comment: This sequence change replaces asparagine, which is neutral and polar, with serine, which is neutral and polar, at codon 596 of the NEXMIF protein (p.Asn596Ser). This variant is not present in population databases (gnomAD no frequency). This variant has not been reported in the literature in individuals affected with NEXMIF-related conditions. An algorithm developed to predict the effect of missense changes on protein structure and function (PolyPhen-2) suggests that this variant is likely to be tolerated. In summary, the available evidence is currently insufficient to determine the role of this variant in disease. Therefore, it has been classified as a Variant of Uncertain Significance.

GeneDx
Classification: Uncertain significance. Last evaluated: 2025-05-29. Review status: criteria provided, single submitter. Criteria: GeneDx Variant Classification Process June 2021. Collection method: clinical testing. Allele origin: germline. Affected: yes.
Comment: Not observed at significant frequency in large population cohorts (gnomAD); In silico analysis suggests that this missense variant does not alter protein structure/function; Has not been previously published as pathogenic or benign to our knowledge

NM_001008537.3(NEXMIF):c.1787A>G (p.Asn596Ser)

Gene: NEXMIF (neurite extension and migration factor; minus strand). Cytogenetic location: Xq13.3.
Variant type: single nucleotide variant.
Coding change: c.1787A>G on transcript NM_001008537.3 (MANE Select); coding-DNA position 1787, A replaced by G.
Protein change: p.Asn596Ser; replaces asparagine 596 with serine.
Molecular consequence: missense variant.
Genome position (GRCh38, 1-based): chrX:74,742,770, T>C on the plus strand (A>G on the coding strand, the complement: NEXMIF is on the minus strand). VCF-style: chrX-74742770-T-C. GRCh37 (hg19) VCF-style: chrX-73962605-T-C.
Other names: short protein forms N596S.
Identifiers: ClinVar variation 4532560 (VCV004532560.2).
Genomic context (GRCh38, chrX:74,742,770, plus strand): 5'-CTACCTGGTTCAAAGCTTTGCTTTTGGGAAAAAGGTGTCTTGATGGAGTCCGTGTTGGTG[T>C]TTCTCTGCTTCTTCTTCTTTTGCCAGAAGCCTTTCAAGGGTGCCAGCTTGGCATATTTGT-3'
Protein context (NP_001008537.1, residues 586-606): GFWQKKKKQR[Asn596Ser]TNTDSIKTPF